The following is an entry in ClinVar:

NM_002692.4(POLE2):c.683-1G>T

Gene: POLE2 (DNA polymerase epsilon 2, accessory subunit; minus strand). Cytogenetic location: 14q21.3.
Variant type: single nucleotide variant.
Coding change: c.683-1G>T on transcript NM_002692.4 (MANE Select); the canonical splice acceptor site of the intron before coding-DNA position 683, G replaced by T.
Molecular consequence: splice acceptor variant.
Genome position (GRCh38, 1-based): chr14:49,663,388, C>A on the plus strand (G>T on the coding strand, the complement: POLE2 is on the minus strand). VCF-style: chr14-49663388-C-A. GRCh37 (hg19) VCF-style: chr14-50130106-C-A.
Other names: c.605-1G>T (NM_001197330.2); c.683-1G>T (NM_001348384.2, NM_001197331.3); c.452-1G>T (NM_001348385.2).
Identifiers: ClinVar variation 4734293 (VCV004734293.1).

ClinVar aggregate classification (germline): Uncertain significance (1 of 4 stars; one submission).

Submission:

Labcorp Genetics (formerly Invitae), Labcorp
Classification: Uncertain significance. Last evaluated: 2025-12-28. Review status: criteria provided, single submitter. Criteria: Invitae Variant Classification Sherloc (09022015). Collection method: clinical testing. Allele origin: germline.
Comment: This sequence change affects an acceptor splice site in intron 9 of the POLE2 gene. It is expected to disrupt RNA splicing. Variants that disrupt the donor or acceptor splice site typically lead to a loss of protein function (PMID: 16199547), however the current clinical and genetic evidence is not sufficient to establish whether loss-of-function variants in POLE2 cause disease. This variant is not present in population databases (gnomAD no frequency). This variant has not been reported in the literature in individuals affected with POLE2-related conditions. Algorithms developed to predict the effect of sequence changes on RNA splicing suggest that this variant may disrupt the consensus splice site. In summary, the available evidence is currently insufficient to determine the role of this variant in disease. Therefore, it has been classified as a Variant of Uncertain Significance.

Literature cited by the submitters: PubMed 16199547.